The following is an entry in ClinVar:

NM_005502.4(ABCA1):c.72G>T (p.Gln24His)

Gene: ABCA1 (ATP binding cassette subfamily A member 1; minus strand). Cytogenetic location: 9q31.1.
Variant type: single nucleotide variant.
Coding change: c.72G>T on transcript NM_005502.4 (MANE Select); coding-DNA position 72, G replaced by T.
Protein change: p.Gln24His; replaces glutamine 24 with histidine.
Molecular consequence: missense variant.
Genome position (GRCh38, 1-based): chr9:104,889,190, C>A on the plus strand (G>T on the coding strand, the complement: ABCA1 is on the minus strand). VCF-style: chr9-104889190-C-A. GRCh37 (hg19) VCF-style: chr9-107651471-C-A.
Other names: short protein forms Q24H.
Identifiers: ClinVar variation 4236198 (VCV004236198.1).

ClinVar aggregate classification (germline): Uncertain significance (1 of 4 stars; one submission).

Conditions:
Cardiovascular phenotype. Identifiers: MedGen CN230736.

gnomAD v4.1: 3 of 1,614,064 alleles (0.00019%); highest among the groups gnomAD compares: Non-Finnish European, 0.00025%; no homozygotes.

Submission:

Ambry Genetics
Classification: Uncertain significance for Cardiovascular phenotype. Last evaluated: 2025-08-24. Review status: criteria provided, single submitter. Criteria: Ambry Variant Classification Scheme 2023. Collection method: clinical testing. Allele origin: germline.
Comment: The p.Q24H variant (also known as c.72G>T), located in coding exon 2 of the ABCA1 gene, results from a G to T substitution at nucleotide position 72. The glutamine at codon 24 is replaced by histidine, an amino acid with highly similar properties. This amino acid position is conserved. In addition, this alteration is predicted to be deleterious by in silico analysis. Based on the available evidence, the clinical significance of this variant remains unclear.